The following is an entry in ClinVar:

ClinVar aggregate classification (germline): Uncertain significance (1 of 4 stars; one submission).

Conditions:
Cerebral cavernous malformation 2. Also called: Familial Cerebral Cavernous Malformation 2. Identifiers: Orphanet 221061, MedGen C1864041, MONDO:0011304, OMIM 603284.

Submission:

Labcorp Genetics (formerly Invitae), Labcorp
Classification: Uncertain significance for Cerebral cavernous malformation 2. Last evaluated: 2023-06-03. Review status: criteria provided, single submitter. Criteria: Invitae Variant Classification Sherloc (09022015). Collection method: clinical testing. Allele origin: germline.
Comment: Advanced modeling of protein sequence and biophysical properties (such as structural, functional, and spatial information, amino acid conservation, physicochemical variation, residue mobility, and thermodynamic stability) performed at Invitae indicates that this missense variant is not expected to disrupt CCM2 protein function. In summary, the available evidence is currently insufficient to determine the role of this variant in disease. Therefore, it has been classified as a Variant of Uncertain Significance. This variant has not been reported in the literature in individuals affected with CCM2-related conditions. This variant is not present in population databases (gnomAD no frequency). This sequence change replaces valine, which is neutral and non-polar, with glycine, which is neutral and non-polar, at codon 145 of the CCM2 protein (p.Val145Gly).

NM_031443.4(CCM2):c.434T>G (p.Val145Gly)

Gene: CCM2 (CCM2 scaffold protein; plus strand). Cytogenetic location: 7p13.
Variant type: single nucleotide variant.
Coding change: c.434T>G on transcript NM_031443.4 (MANE Select); coding-DNA position 434, T replaced by G.
Protein change: p.Val145Gly; replaces valine 145 with glycine.
Molecular consequence: missense variant. On other transcripts: non-coding transcript variant (1).
Genome position (GRCh38, 1-based): chr7:45,064,608, T>G. VCF-style: chr7-45064608-T-G. GRCh37 (hg19) VCF-style: chr7-45104207-T-G.
Other names: c.497T>G, p.Val166Gly (NM_001029835.2); c.260T>G, p.Val87Gly (NM_001167934.2, NM_001363459.2); c.434T>G, p.Val145Gly (NM_001167935.2, NM_001363458.2); short protein forms V166G, V145G, V87G.
Identifiers: ClinVar variation 2763965 (VCV002763965.3), dbSNP rs2486113499, ClinGen allele CA367430111.